The following is an entry in ClinVar:

NM_001114753.3(ENG):c.1733_1737del (p.Asp578fs)

Genes: ENG (endoglin; minus strand), LOC102723566 (uncharacterized LOC102723566; plus strand). Cytogenetic location: 9q34.11.
Variant type: Deletion.
Coding change: c.1733_1737del on transcript NM_001114753.3 (MANE Select); coding-DNA positions 1733 to 1737, 5 bases deleted (ACCTG; older notation c.1733_1737delACCTG).
Protein change: p.Asp578fs; shifts the reading frame from aspartic acid 578.
Molecular consequence: frameshift variant. On other transcripts: non-coding transcript variant (1).
Genome position (GRCh38, 1-based): chr9:127,817,153-127,817,157, CAGGT deleted on the plus strand (ACCTG on the coding strand, the reverse complement: ENG is on the minus strand); deleting any 5 consecutive bases within chr9:127,817,153-127,817,161 gives the same sequence; the c. name uses the placement nearest the transcript's 3' end. VCF-style (leftmost placement, unchanged base first): chr9-127817152-ACAGGT-A. GRCh37 (hg19) VCF-style: chr9-130579431-ACAGGT-A.
Other names: c.1729_1733delCCTGA, p.Asp578Valfs (NM_000118.4); c.1187_1191del, p.Asp396fs (NM_001278138.2); short protein forms D396fs, D578fs.
Identifiers: ClinVar variation 1779018 (VCV001779018.5), dbSNP rs2539056673, ClinGen allele CA2580079605.

ClinVar aggregate classification (germline): Pathogenic/Likely pathogenic. Review status: criteria provided, multiple submitters, no conflicts (2 of 4 stars). 2 submissions from 2 submitters: Pathogenic (1); Likely pathogenic (1). Last evaluated 2023-10-26.

Conditions:
Cardiovascular phenotype. Identifiers: MedGen CN230736.
Hereditary hemorrhagic telangiectasia (HHT). Also called: ORW DISEASE; Osler Weber Rendu syndrome; OSLER-RENDU-WEBER DISEASE; Osler hemorrhagic telangiectasia syndrome. Identifiers: Orphanet 774, MedGen C0039445, MONDO:0019180. Disease mechanism: loss of function.

Submissions (2):

Labcorp Genetics (formerly Invitae), Labcorp
Classification: Pathogenic for Hereditary hemorrhagic telangiectasia. Last evaluated: 2023-10-26. Review status: criteria provided, single submitter. Criteria: Invitae Variant Classification Sherloc (09022015). Collection method: clinical testing. Allele origin: germline.
Comment: This sequence change creates a premature translational stop signal (p.Asp578Valfs*40) in the ENG gene. While this is not anticipated to result in nonsense mediated decay, it is expected to disrupt the last 48 amino acid(s) of the ENG protein. This variant is not present in population databases (gnomAD no frequency). This premature translational stop signal has been observed in individual(s) with hereditary hemorrhagic telangiectasia (PMID: 16752392; Invitae). It has also been observed to segregate with disease in related individuals. ClinVar contains an entry for this variant (Variation ID: 1779018). Experimental studies and prediction algorithms are not available or were not evaluated, and the functional significance of this variant is currently unknown. This variant disrupts a region of the ENG protein in which other variant(s) (p.Gly603Arg) have been determined to be pathogenic (PMID: 20414677). This suggests that this is a clinically significant region of the protein, and that variants that disrupt it are likely to be disease-causing. For these reasons, this variant has been classified as Pathogenic.

Ambry Genetics
Classification: Likely pathogenic for Cardiovascular phenotype. Last evaluated: 2015-07-02. Review status: criteria provided, single submitter. Criteria: Ambry Variant Classification Scheme 2023. Collection method: clinical testing. Allele origin: germline.
Comment: The c.1733_1737delACCTG likely pathogenic variant, located in coding exon 13 of the ENG gene, results from a deletion of 5 nucleotides between positions 1733 and 1737, causing a translational frameshift near the 3' terminus of exon 13 resulting in the predicted elongation of the protein by 171 amino acids. This alteration was reported in an individual with a family history of hereditary hemorrhagic telangiectasia (HHT) (Bossler et al. Hum Mutat. 2006;27(7):667-75). Additionally, this alteration segregated with HHT in 5 out of 5 affected relatives in one family tested by our laboratory. This variant was not reported in population based cohorts in the following databases: Database of Single Nucleotide Polymorphisms (dbSNP), NHLBI Exome Sequencing Project (ESP), and 1000 Genomes Project. In the ESP, this variant was not observed in 6503 samples (13006 alleles) with coverage at this position. Based on the majority of available evidence to date, this variant is likely to be pathogenic.

Literature cited by the submitters: PubMed 16752392 (cited by Labcorp Genetics (formerly Invitae), Labcorp); PubMed 20414677 (cited by Labcorp Genetics (formerly Invitae), Labcorp); PubMed 23801935 (cited by Ambry Genetics).